The following is an entry in ClinVar:

ClinVar aggregate classification (germline): Conflicting classifications of pathogenicity. Review status: criteria provided, conflicting classifications (1 of 4 stars). 2 submissions from 2 submitters: Uncertain significance (1); Likely benign (1). Last evaluated 2023-03-23.

Conditions:
Hereditary cancer-predisposing syndrome. Also called: Tumor predisposition; Hereditary Cancer Syndrome; Neoplastic Syndromes, Hereditary; Hereditary neoplastic syndrome. Identifiers: Orphanet 140162, MedGen C0027672, MeSH D009386, MONDO:0015356.

Submissions (2):

University of Washington Department of Laboratory Medicine, University of Washington
Classification: Likely benign for Hereditary cancer-predisposing syndrome. Last evaluated: 2023-03-23. Review status: criteria provided, single submitter. Criteria: Dines et al. (Genet Med. 2020). Collection method: curation. Allele origin: germline.
Comment: Missense variant in a coldspot region where missense variants are very unlikely to be pathogenic (PMID:31911673).

BRCA2 exon 10 coldspot. Reclassification based on statistical prior probability.

Women's Health and Genetics/Laboratory Corporation of America, LabCorp
Classification: Uncertain significance. Last evaluated: 2021-12-13. Review status: criteria provided, single submitter. Criteria: LabCorp Variant Classification Summary - May 2015. Collection method: clinical testing. Allele origin: germline.
Comment: Variant summary: BRCA2 c.1424A>T (p.Glu475Val) results in a non-conservative amino acid change in the encoded protein sequence. Three of five in-silico tools predict a benign effect of the variant on protein function. The variant was absent in 247116 control chromosomes, however the available data on variant occurrences in the general population are insufficient to allow any conclusion about variant significance. To our knowledge, no occurrence of c.1424A>T in individuals affected with Hereditary Breast And Ovarian Cancer Syndrome and no experimental evidence demonstrating its impact on protein function have been reported. No clinical diagnostic laboratories have submitted clinical-significance assessments for this variant to ClinVar after 2014. Based on the evidence outlined above, the variant was classified as uncertain significance.

NM_000059.4(BRCA2):c.1424A>T (p.Glu475Val)

Gene: BRCA2 (BRCA2 DNA repair associated; plus strand). Cytogenetic location: 13q13.1.
Variant type: single nucleotide variant.
Coding change: c.1424A>T on transcript NM_000059.4 (MANE Select); coding-DNA position 1424, A replaced by T.
Protein change: p.Glu475Val; replaces glutamic acid 475 with valine.
Molecular consequence: missense variant.
Genome position (GRCh38, 1-based): chr13:32,332,902, A>T. VCF-style: chr13-32332902-A-T. GRCh37 (hg19) VCF-style: chr13-32907039-A-T.
Other names: short protein forms E475V.
Identifiers: ClinVar variation 1331391 (VCV001331391.3), dbSNP rs1213277350, ClinGen allele CA387764241.